The following is an entry in ClinVar:

NM_144997.7(FLCN):c.749T>A (p.Leu250Gln)

Gene: FLCN (folliculin; minus strand). Cytogenetic location: 17p11.2.
Variant type: single nucleotide variant.
Coding change: c.749T>A on transcript NM_144997.7 (MANE Select); coding-DNA position 749, T replaced by A.
Protein change: p.Leu250Gln; replaces leucine 250 with glutamine.
Molecular consequence: missense variant.
Genome position (GRCh38, 1-based): chr17:17,222,531, A>T on the plus strand (T>A on the coding strand, the complement: FLCN is on the minus strand). VCF-style: chr17-17222531-A-T. GRCh37 (hg19) VCF-style: chr17-17125845-A-T.
Other names: c.803T>A, p.Leu268Gln (NM_001353229.2); c.749T>A, p.Leu250Gln (NM_001353230.2, NM_001353231.2, NM_144606.7); short protein forms L250Q, L268Q.
Identifiers: ClinVar variation 1359606 (VCV001359606.8), dbSNP rs1555609772, ClinGen allele CA398533878.
Genomic context (GRCh38, chr17:17,222,531, plus strand): 5'-AGATATGCCAAAAGCAGAGACGCCCGTTACCAGGCAAAGGAGGTGTGCAGGCACGCCCAC[A>T]GGTTGTCATCACTTGTCAGCGATGTCAGCGAGCGGGCGGCGTTGCCGTTCCTCTGGTGTA-3'
Protein context (NP_659434.2, residues 240-260): SLTSLTSDDN[Leu250Gln]WACLHTSFAW

ClinVar aggregate classification (germline): Uncertain significance (1 of 4 stars; one submission).

Conditions:
Birt-Hogg-Dube syndrome. Also called: Birt Hogg Dubé syndrome. Identifiers: Orphanet 122, MedGen C0346010, MONDO:0800444.

Submission:

Labcorp Genetics (formerly Invitae), Labcorp
Classification: Uncertain significance for Birt-Hogg-Dube syndrome. Last evaluated: 2022-12-02. Review status: criteria provided, single submitter. Criteria: Invitae Variant Classification Sherloc (09022015). Collection method: clinical testing. Allele origin: germline.
Comment: This sequence change replaces leucine, which is neutral and non-polar, with glutamine, which is neutral and polar, at codon 250 of the FLCN protein (p.Leu250Gln). This variant is not present in population databases (gnomAD no frequency). This variant has not been reported in the literature in individuals affected with FLCN-related conditions. ClinVar contains an entry for this variant (Variation ID: 1359606). Algorithms developed to predict the effect of missense changes on protein structure and function (SIFT, PolyPhen-2, Align-GVGD) all suggest that this variant is likely to be disruptive. In summary, the available evidence is currently insufficient to determine the role of this variant in disease. Therefore, it has been classified as a Variant of Uncertain Significance.